The following is an entry in ClinVar:

NM_001195129.2(PRSS56):c.853G>A (p.Asp285Asn)

Gene: PRSS56 (serine protease 56; plus strand). Cytogenetic location: 2q37.1.
Variant type: single nucleotide variant.
Coding change: c.853G>A on transcript NM_001195129.2 (MANE Select); coding-DNA position 853, G replaced by A.
Protein change: p.Asp285Asn; replaces aspartic acid 285 with asparagine.
Molecular consequence: missense variant.
Genome position (GRCh38, 1-based): chr2:232,523,419, G>A. VCF-style: chr2-232523419-G-A. GRCh37 (hg19) VCF-style: chr2-233388129-G-A.
Other names: c.853G>A, p.Asp285Asn (NM_001369848.1); short protein forms D285N.
Identifiers: ClinVar variation 1304436 (VCV001304436.3), dbSNP rs758815927, ClinGen allele CA2167748.

ClinVar aggregate classification (germline): Uncertain significance. Review status: criteria provided, multiple submitters, no conflicts (2 of 4 stars). 2 submissions from 2 submitters: Uncertain significance (2). Last evaluated 2024-05-28.

Conditions:
Inborn genetic diseases. Identifiers: MedGen C0950123, MeSH D030342.

Allele frequency attached by ClinVar (database versions not stated): gnomAD exomes 0.00001 and 0.00006; gnomAD 0.00012 and 0.00014; TOPMed 0.00012.

Submissions (2):

Ambry Genetics
Classification: Uncertain significance for Inborn genetic diseases. Last evaluated: 2024-05-28. Review status: criteria provided, single submitter. Criteria: Ambry Variant Classification Scheme 2023. Collection method: clinical testing. Allele origin: germline.

GeneDx
Classification: Uncertain significance. Last evaluated: 2020-08-04. Review status: criteria provided, single submitter. Criteria: GeneDx Variant Classification Process June 2021. Collection method: clinical testing. Allele origin: germline. Affected: yes.
Comment: In silico analysis supports that this missense variant has a deleterious effect on protein structure/function; Has not been previously published as pathogenic or benign to our knowledge